The following is an entry in ClinVar:

NM_206933.4(USH2A):c.9122C>G (p.Thr3041Arg)

Gene: USH2A (usherin; minus strand). Cytogenetic location: 1q41.
Variant type: single nucleotide variant.
Coding change: c.9122C>G on transcript NM_206933.4 (MANE Select); coding-DNA position 9122, C replaced by G.
Protein change: p.Thr3041Arg; replaces threonine 3041 with arginine.
Molecular consequence: missense variant.
Genome position (GRCh38, 1-based): chr1:215,844,430, G>C on the plus strand (C>G on the coding strand, the complement: USH2A is on the minus strand). VCF-style: chr1-215844430-G-C. GRCh37 (hg19) VCF-style: chr1-216017772-G-C.
Other names: short protein forms T3041R.
Identifiers: ClinVar variation 1516585 (VCV001516585.8), dbSNP rs2102821872, ClinGen allele CA344838971.

ClinVar aggregate classification (germline): Uncertain significance. Review status: criteria provided, multiple submitters, no conflicts (2 of 4 stars). 2 submissions from 2 submitters: Uncertain significance (2). Last evaluated 2024-10-08.

gnomAD v4.1: 1 of 1,613,338 alleles (0.000062%); no homozygotes.

Submissions (2):

Labcorp Genetics (formerly Invitae), Labcorp
Classification: Uncertain significance. Last evaluated: 2024-10-08. Review status: criteria provided, single submitter. Criteria: Invitae Variant Classification Sherloc (09022015). Collection method: clinical testing. Allele origin: germline.
Comment: This sequence change replaces threonine, which is neutral and polar, with arginine, which is basic and polar, at codon 3041 of the USH2A protein (p.Thr3041Arg). This variant is not present in population databases (gnomAD no frequency). This variant has not been reported in the literature in individuals affected with USH2A-related conditions. ClinVar contains an entry for this variant (Variation ID: 1516585). Invitae Evidence Modeling of protein sequence and biophysical properties (such as structural, functional, and spatial information, amino acid conservation, physicochemical variation, residue mobility, and thermodynamic stability) has been performed for this missense variant. However, the output from this modeling did not meet the statistical confidence thresholds required to predict the impact of this variant on USH2A protein function. In summary, the available evidence is currently insufficient to determine the role of this variant in disease. Therefore, it has been classified as a Variant of Uncertain Significance.

Blueprint Genetics
Classification: Uncertain significance. Last evaluated: 2023-10-05. Review status: criteria provided, single submitter. Criteria: ACMG Guidelines, 2015. Collection method: clinical testing. Allele origin: germline.